The following is an entry in ClinVar:

NM_001323289.2(CDKL5):c.496G>A (p.Ala166Thr)

Gene: CDKL5 (cyclin dependent kinase like 5; plus strand). Cytogenetic location: Xp22.13.
Variant type: single nucleotide variant.
Coding change: c.496G>A on transcript NM_001323289.2 (MANE Select); coding-DNA position 496, G replaced by A.
Protein change: p.Ala166Thr; replaces alanine 166 with threonine.
Molecular consequence: missense variant.
Genome position (GRCh38, 1-based): chrX:18,584,295, G>A. VCF-style: chrX-18584295-G-A. GRCh37 (hg19) VCF-style: chrX-18602415-G-A.
Other names: c.496G>A, p.Ala166Thr (NM_001037343.2, NM_003159.3); short protein forms A166T.
Identifiers: ClinVar variation 1304046 (VCV001304046.3), dbSNP rs2147145524, ClinGen allele CA412352278.

ClinVar aggregate classification (germline): Uncertain significance. Review status: criteria provided, multiple submitters, no conflicts (2 of 4 stars). 2 submissions from 2 submitters: Uncertain significance (2). Last evaluated 2024-08-20.

Conditions:
Inborn genetic diseases. Identifiers: MedGen C0950123, MeSH D030342.

Allele frequency attached by ClinVar (database versions not stated): gnomAD exomes below 0.00001.
gnomAD v4.1: 2 of 1,205,909 alleles (0.00017%); highest among the groups gnomAD compares: Non-Finnish European, 0.00022%; no homozygotes.

Submissions (2):

Ambry Genetics
Classification: Uncertain significance for Inborn genetic diseases. Last evaluated: 2024-08-20. Review status: criteria provided, single submitter. Criteria: Ambry Variant Classification Scheme 2023. Collection method: clinical testing. Allele origin: germline.

GeneDx
Classification: Uncertain significance. Last evaluated: 2021-02-26. Review status: criteria provided, single submitter. Criteria: GeneDx Variant Classification Process June 2021. Collection method: clinical testing. Allele origin: germline. Affected: yes.
Comment: Not observed in large population cohorts (Lek et al., 2016); In silico analysis supports that this missense variant does not alter protein structure/function; Has not been previously published as pathogenic or benign to our knowledge